The following is an entry in ClinVar:

NM_007294.4(BRCA1):c.1195C>T (p.His399Tyr)

Gene: BRCA1 (BRCA1 DNA repair associated; minus strand). Cytogenetic location: 17q21.31.
Variant type: single nucleotide variant.
Coding change: c.1195C>T on transcript NM_007294.4 (MANE Select); coding-DNA position 1195, C replaced by T.
Protein change: p.His399Tyr; replaces histidine 399 with tyrosine.
Molecular consequence: missense variant. On other transcripts: intron variant (137).
Genome position (GRCh38, 1-based): chr17:43,094,336, G>A on the plus strand (C>T on the coding strand, the complement: BRCA1 is on the minus strand). VCF-style: chr17-43094336-G-A. GRCh37 (hg19) VCF-style: chr17-41246353-G-A.
Other names: c.928C>T, p.His310Tyr (NM_001407930.1, NM_001407931.1, NM_001407932.1 and 2 more transcripts); c.931C>T, p.His311Tyr (NM_001407933.1, NM_001407935.1, NM_001407920.1 and 9 more transcripts); c.1072C>T, p.His358Tyr (NM_001407937.1, NM_001407938.1, NM_001407939.1 and 19 more transcripts); c.1069C>T, p.His357Tyr (NM_001407940.1, NM_001407941.1, NM_001407649.1 and 11 more transcripts); c.1054C>T, p.His352Tyr (NM_001407942.1, NM_001407944.1, NM_001407945.1 and 29 more transcripts); c.1051C>T, p.His351Tyr (NM_001407943.1, NM_001407964.1, NM_001407740.1 and 20 more transcripts); c.862C>T, p.His288Tyr (NM_001407946.1, NM_001407947.1, NM_001407957.1 and 6 more transcripts); c.859C>T, p.His287Tyr (NM_001407958.1, NM_001407954.1, NM_001407955.1 and 1 more transcripts); and 40 more; short protein forms H352Y, H399Y, H231Y, H272Y, H310Y, H331Y, H372Y, H396Y.
Identifiers: ClinVar variation 999096 (VCV000999096.12), dbSNP rs2053979560, ClinGen allele CA10599661.

ClinVar aggregate classification (germline): Conflicting classifications of pathogenicity. Review status: criteria provided, conflicting classifications (1 of 4 stars). 2 submissions from 2 submitters: Uncertain significance (1); Likely benign (1). Last evaluated 2023-03-23.

Conditions:
Hereditary cancer-predisposing syndrome. Also called: Neoplastic Syndromes, Hereditary; Tumor predisposition; Hereditary Cancer Syndrome; Hereditary neoplastic syndrome. Identifiers: Orphanet 140162, MedGen C0027672, MeSH D009386, MONDO:0015356.
Hereditary breast ovarian cancer syndrome. Also called: Hereditary breast and ovarian cancer syndrome; Hereditary breast and/or ovarian cancer syndrome; Hereditary breast and ovarian cancer syndrome (HBOC); Breast and ovarian cancer; BRCA1- and BRCA2-Associated Hereditary Breast and Ovarian Cancer; Hereditary breast and ovarian cancer. Identifiers: Orphanet 145, MedGen C0677776, MeSH D061325, MONDO:0003582. Disease mechanism: loss of function.

Submissions (2):

University of Washington Department of Laboratory Medicine, University of Washington
Classification: Likely benign for Hereditary cancer-predisposing syndrome. Last evaluated: 2023-03-23. Review status: criteria provided, single submitter. Criteria: Dines et al. (Genet Med. 2020). Collection method: curation. Allele origin: germline.
Comment: Missense variant in a coldspot region where missense variants are very unlikely to be pathogenic (PMID:31911673).

BRCA1 coldspot (exon 11 using historical exon numbering). Reclassification based on statistical prior probability

Labcorp Genetics (formerly Invitae), Labcorp
Classification: Uncertain significance for Hereditary breast ovarian cancer syndrome. Last evaluated: 2020-03-15. Review status: criteria provided, single submitter. Criteria: Invitae Variant Classification Sherloc (09022015). Collection method: clinical testing. Allele origin: germline.
Comment: In summary, the available evidence is currently insufficient to determine the role of this variant in disease. Therefore, it has been classified as a Variant of Uncertain Significance. Algorithms developed to predict the effect of missense changes on protein structure and function (SIFT, PolyPhen-2, Align-GVGD) all suggest that this variant is likely to be tolerated, but these predictions have not been confirmed by published functional studies and their clinical significance is uncertain. This variant has not been reported in the literature in individuals with BRCA1-related conditions. This variant is not present in population databases (ExAC no frequency). This sequence change replaces histidine with tyrosine at codon 399 of the BRCA1 protein (p.His399Tyr). The histidine residue is weakly conserved and there is a moderate physicochemical difference between histidine and tyrosine.